The following is an entry in ClinVar:

ClinVar aggregate classification (germline): Likely benign (1 of 4 stars; one submission).

Submission:

CeGaT Center for Human Genetics Tuebingen
Classification: Likely benign. Last evaluated: 2024-09-01. Review status: criteria provided, single submitter. Criteria: CeGaT Center For Human Genetics Tuebingen Variant Classification Criteria Version 2. Collection method: clinical testing. Allele origin: germline. Affected: yes. Observed: 4 variant alleles.
Comment: IQSEC2: BP4, BP7

NM_001111125.3(IQSEC2):c.3852A>C (p.Pro1284=)

Gene: IQSEC2 (IQ motif and Sec7 domain ArfGEF 2; minus strand). Cytogenetic location: Xp11.22.
Variant type: single nucleotide variant.
Coding change: c.3852A>C on transcript NM_001111125.3 (MANE Select); coding-DNA position 3852, A replaced by C.
Protein change: p.Pro1284=; no amino-acid change (proline 1284 retained).
Molecular consequence: synonymous variant. On other transcripts: 3 prime UTR variant (2).
Genome position (GRCh38, 1-based): chrX:53,234,834, T>G on the plus strand (A>C on the coding strand, the complement: IQSEC2 is on the minus strand). VCF-style: chrX-53234834-T-G. GRCh37 (hg19) VCF-style: chrX-53264016-T-G.
Other names: c.*337A>C (NM_001410736.1, NM_015075.2).
Identifiers: ClinVar variation 2660598 (VCV002660598.24), dbSNP rs1332029486, ClinGen allele CA516673705.